The following is an entry in ClinVar:

NM_015046.7(SETX):c.3661A>C (p.Lys1221Gln)

Gene: SETX (senataxin; minus strand). Cytogenetic location: 9q34.13.
Variant type: single nucleotide variant.
Coding change: c.3661A>C on transcript NM_015046.7 (MANE Select); coding-DNA position 3661, A replaced by C.
Protein change: p.Lys1221Gln; replaces lysine 1221 with glutamine.
Molecular consequence: missense variant.
Genome position (GRCh38, 1-based): chr9:132,327,937, T>G on the plus strand (A>C on the coding strand, the complement: SETX is on the minus strand). VCF-style: chr9-132327937-T-G. GRCh37 (hg19) VCF-style: chr9-135203324-T-G.
Other names: c.3661A>C, p.Lys1221Gln (NM_001351527.2, NM_001351528.2); short protein forms K1221Q.
Identifiers: ClinVar variation 4791260 (VCV004791260.1).

ClinVar aggregate classification (germline): Uncertain significance (1 of 4 stars; one submission).

Conditions:
Spinocerebellar ataxia, autosomal recessive, with axonal neuropathy 2 (SCAN2). Also called: ATAXIA-OCULOMOTOR APRAXIA 2; Ataxia-ocular apraxia-2; Ataxia with Oculomotor Apraxia; Ataxia with Oculomotor Apraxia Type 2. Identifiers: Orphanet 64753, MedGen C1853761, MONDO:0018996, OMIM 606002.
Amyotrophic lateral sclerosis type 4 (ALS4). Also called: AMYOTROPHIC LATERAL SCLEROSIS 4, JUVENILE; NEURONOPATHY, DISTAL HEREDITARY MOTOR, WITH PYRAMIDAL FEATURES. Identifiers: Orphanet 357043, MedGen C1865409, MONDO:0011223, OMIM 602433.

gnomAD v4.1: 2 of 1,614,124 alleles (0.00012%); highest among the groups gnomAD compares: Non-Finnish European, 0.00017%; no homozygotes.

Submission:

Labcorp Genetics (formerly Invitae), Labcorp
Classification: Uncertain significance for Amyotrophic lateral sclerosis type 4; Spinocerebellar ataxia, autosomal recessive, with axonal neuropathy 2. Last evaluated: 2025-02-16. Review status: criteria provided, single submitter. Criteria: Invitae Variant Classification Sherloc (09022015). Collection method: clinical testing. Allele origin: germline.
Comment: This sequence change replaces lysine, which is basic and polar, with glutamine, which is neutral and polar, at codon 1221 of the SETX protein (p.Lys1221Gln). This variant is not present in population databases (gnomAD no frequency). This variant has not been reported in the literature in individuals affected with SETX-related conditions. Invitae Evidence Modeling of protein sequence and biophysical properties (such as structural, functional, and spatial information, amino acid conservation, physicochemical variation, residue mobility, and thermodynamic stability) indicates that this missense variant is not expected to disrupt SETX protein function with a negative predictive value of 95%. In summary, the available evidence is currently insufficient to determine the role of this variant in disease. Therefore, it has been classified as a Variant of Uncertain Significance.